The following is an entry in ClinVar:

NM_006118.4(HAX1):c.663+1G>A

Gene: HAX1 (HCLS1 associated protein X-1; plus strand). Cytogenetic location: 1q21.3.
Variant type: single nucleotide variant.
Coding change: c.663+1G>A on transcript NM_006118.4 (MANE Select); the canonical splice donor site of the intron after coding-DNA position 663, G replaced by A.
Molecular consequence: splice donor variant.
Genome position (GRCh38, 1-based): chr1:154,275,261, G>A. VCF-style: chr1-154275261-G-A. GRCh37 (hg19) VCF-style: chr1-154247737-G-A.
Other names: c.519+1G>A (NM_001018837.2).
Identifiers: ClinVar variation 944776 (VCV000944776.12), dbSNP rs41313932, ClinGen allele CA1127420.

ClinVar aggregate classification (germline): Pathogenic/Likely pathogenic. Review status: criteria provided, multiple submitters, no conflicts (2 of 4 stars). 3 submissions from 3 submitters: Pathogenic (2); Likely pathogenic (1). Last evaluated 2026-01-05.

Conditions:
Kostmann syndrome (SCN3). Also called: Autosomal recessive severe congenital neutropenia type 3; KOSTMANN DISEASE. Identifiers: Orphanet 99749, MedGen C5235141, MONDO:0012548, OMIM 610738.

Allele frequency attached by ClinVar (database versions not stated): ExAC 0.00001; gnomAD 0.00001; gnomAD exomes 0.00001; TOPMed 0.00001; 1000 Genomes Project 0.00020; 1000 Genomes Project 30x 0.00031.

Submissions (3):

Labcorp Genetics (formerly Invitae), Labcorp
Classification: Pathogenic for Kostmann syndrome. Last evaluated: 2026-01-05. Review status: criteria provided, single submitter. Criteria: Invitae Variant Classification Sherloc (09022015). Collection method: clinical testing. Allele origin: germline.
Comment: This sequence change affects a donor splice site in intron 5 of the HAX1 gene. It is expected to disrupt RNA splicing. Variants that disrupt the donor or acceptor splice site typically lead to a loss of protein function (PMID: 16199547), and loss-of-function variants in HAX1 are known to be pathogenic (PMID: 17187068). This variant is present in population databases (rs41313932, gnomAD 0.002%). Disruption of this splice site has been observed in individuals with severe neutropenia (PMID: 37193639). ClinVar contains an entry for this variant (Variation ID: 944776). Algorithms developed to predict the effect of sequence changes on RNA splicing suggest that this variant may disrupt the consensus splice site. For these reasons, this variant has been classified as Pathogenic.

Natera, Inc.
Classification: Pathogenic for Autosomal recessive severe congenital neutropenia type 3. Last evaluated: 2024-06-25. Review status: criteria provided, single submitter. Criteria: Natera Variant Classification Schema (03/2026). Collection method: clinical testing. Allele origin: germline.
Comment: The c.663+1G>A variant in HAX1 is a canonical splice donor site variant predicted to affect pre-mRNA splicing, which may result in an abnormal transcript and altered protein product. This variant is expected to result in nonsense mediated decay, truncation, or a dysfunctional protein product. This variant is rare in the general population with a frequency below the threshold expected for the associated phenotype(s). This variant has been observed in one or more individuals affected with the associated recessive disease, as either homozygous or compound heterozygous with a second variant (PMID: 37193639). Additionally, this variant has been observed to segregate in affected family members (PMID: 37193639). Given the available evidence, this variant is classified as Pathogenic.

Fulgent Genetics
Classification: Likely pathogenic for Kostmann syndrome. Last evaluated: 2024-01-18. Review status: criteria provided, single submitter. Criteria: ACMG Guidelines, 2015. Collection method: clinical testing. Allele origin: germline.

Literature cited by the submitters: PubMed 16199547 (cited by Labcorp Genetics (formerly Invitae), Labcorp); PubMed 17187068 (cited by Labcorp Genetics (formerly Invitae), Labcorp); PubMed 37193639 (cited by Labcorp Genetics (formerly Invitae), Labcorp and Natera, Inc.).